The following is an entry in ClinVar:

NM_007294.3(BRCA1):c.442-?_547+?del

Gene: BRCA1 (BRCA1 DNA repair associated; minus strand). Cytogenetic location: 17q21.31.
Variant type: Deletion.
Coding change: c.442-?_547+?del on transcript NM_007294.3.
Other names: c.442-?_547+?del (LRG_292t1).
Identifiers: ClinVar variation 254075 (VCV000254075.3).

ClinVar aggregate classification (germline): Pathogenic. Review status: criteria provided, multiple submitters, no conflicts (2 of 4 stars). 2 submissions from 2 submitters: Pathogenic (2). Last evaluated 2016-12-05.

Conditions:
Hereditary breast ovarian cancer syndrome. Also called: Hereditary breast and ovarian cancer syndrome (HBOC); Breast and ovarian cancer; Hereditary breast and ovarian cancer syndrome; Hereditary breast and ovarian cancer; BRCA1- and BRCA2-Associated Hereditary Breast and Ovarian Cancer; Hereditary breast and/or ovarian cancer syndrome. Identifiers: Orphanet 145, MedGen C0677776, MeSH D061325, MONDO:0003582. Disease mechanism: loss of function.
Breast-ovarian cancer, familial, susceptibility to, 1 (BROVCA1). Also called: BRCA1 Hereditary Breast and Ovarian Cancer; OVARIAN CANCER, SUSCEPTIBILITY TO. Identifiers: Orphanet 145, MedGen C2676676, MONDO:0011450, OMIM 604370. Disease mechanism: loss of function.

Submissions (2):

Labcorp Genetics (formerly Invitae), Labcorp
Classification: Pathogenic for Hereditary breast ovarian cancer syndrome. Last evaluated: 2016-12-05. Review status: criteria provided, single submitter. Criteria: Invitae Variant Classification Sherloc (09022015). Collection method: clinical testing. Allele origin: germline.
Comment: This variant is a gross deletion of the genomic region encompassing exon 7 of the BRCA1 gene. This creates a premature translational stop signal and is expected to result in an absent or disrupted protein product. Exon-level deletions in BRCA1 are known to be pathogenic. Similar deletions of exon 7 have been reported in the literature in individuals with breast and ovarian cancer (PMID: 12670888, 24013928, 18431737). These variants are also known as exon 8 deletions in the literature. For these reasons, this variant has been classified as Pathogenic.

Consortium of Investigators of Modifiers of BRCA1/2 (CIMBA), c/o University of Cambridge
Classification: Pathogenic for Breast-ovarian cancer, familial, susceptibility to, 1. Last evaluated: 2015-10-02. Review status: criteria provided, single submitter. Criteria: CIMBA Mutation Classification guidelines May 2016. Collection method: clinical testing. Allele origin: germline.